The following is an entry in ClinVar:

ClinVar aggregate classification (germline): Likely benign. Review status: criteria provided, multiple submitters, no conflicts (2 of 4 stars). 2 submissions from 2 submitters: Likely benign (2). Last evaluated 2026-04-27.

Conditions:
PRPF8-related disorder. Also called: PRPF8-related condition.

Allele frequency attached by ClinVar (database versions not stated): gnomAD exomes 0.00005; ExAC 0.00006; 1000 Genomes Project 30x 0.00016; 1000 Genomes Project 0.00020; TOPMed 0.00020.
gnomAD v4.1: 63 of 1,613,944 alleles (0.0039%); highest among the groups gnomAD compares: African/African-American, 0.073%; no homozygotes.

Submissions (2):

PreventionGenetics, part of Exact Sciences
Classification: Likely benign for PRPF8-related condition. Last evaluated: 2026-04-27. Review status: criteria provided, single submitter. Criteria: ACMG Guidelines, 2015. Collection method: clinical testing. Allele origin: germline.
Comment: This variant is classified as likely benign based on ACMG/AMP sequence variant interpretation guidelines (Richards et al. 2015 PMID: 25741868, with internal and published modifications).

Labcorp Genetics (formerly Invitae), Labcorp
Classification: Likely benign. Last evaluated: 2026-01-15. Review status: criteria provided, single submitter. Criteria: Invitae Variant Classification Sherloc (09022015). Collection method: clinical testing. Allele origin: germline.

NM_006445.4(PRPF8):c.3447-7T>G

Gene: PRPF8 (pre-mRNA processing factor 8; minus strand). Cytogenetic location: 17p13.3.
Variant type: single nucleotide variant.
Coding change: c.3447-7T>G on transcript NM_006445.4 (MANE Select); 7 bases into the intron before coding-DNA position 3447, T replaced by G.
Molecular consequence: intron variant.
Genome position (GRCh38, 1-based): chr17:1,673,574, A>C on the plus strand (T>G on the coding strand, the complement: PRPF8 is on the minus strand). VCF-style: chr17-1673574-A-C. GRCh37 (hg19) VCF-style: chr17-1576868-A-C.
Identifiers: ClinVar variation 967516 (VCV000967516.7), dbSNP rs183157212, ClinGen allele CA8271868.